The following is an entry in ClinVar:

ClinVar aggregate classification (germline): Pathogenic (1 of 4 stars; one submission).

Conditions:
Hereditary cancer-predisposing syndrome. Also called: Tumor predisposition; Hereditary neoplastic syndrome; Neoplastic Syndromes, Hereditary; Hereditary Cancer Syndrome. Identifiers: Orphanet 140162, MedGen C0027672, MeSH D009386, MONDO:0015356.

Submission:

Labcorp Genetics (formerly Invitae), Labcorp
Classification: Pathogenic for Hereditary cancer-predisposing syndrome. Last evaluated: 2022-10-17. Review status: criteria provided, single submitter. Criteria: Invitae Variant Classification Sherloc (09022015). Collection method: clinical testing. Allele origin: germline.
Comment: For these reasons, this variant has been classified as Pathogenic. This variant has not been reported in the literature in individuals affected with RAD50-related conditions. This variant is not present in population databases (gnomAD no frequency). This sequence change creates a premature translational stop signal (p.Lys815*) in the RAD50 gene. It is expected to result in an absent or disrupted protein product. Loss-of-function variants in RAD50 are known to be pathogenic (PMID: 19409520).

Literature cited by the submitters: PubMed 19409520.

NM_005732.4(RAD50):c.2443A>T (p.Lys815Ter)

Gene: RAD50 (RAD50 double strand break repair protein; plus strand). Cytogenetic location: 5q31.1.
Variant type: single nucleotide variant.
Coding change: c.2443A>T on transcript NM_005732.4 (MANE Select); coding-DNA position 2443, A replaced by T.
Protein change: p.Lys815Ter; replaces lysine 815 with a stop codon.
Molecular consequence: nonsense.
Genome position (GRCh38, 1-based): chr5:132,603,965, A>T. VCF-style: chr5-132603965-A-T. GRCh37 (hg19) VCF-style: chr5-131939657-A-T.
Other names: short protein forms K815*.
Identifiers: ClinVar variation 1945207 (VCV001945207.5), dbSNP rs2479666185, ClinGen allele CA360955520.